The following is an entry in ClinVar:

ClinVar aggregate classification (germline): Benign/Likely benign. Review status: criteria provided, multiple submitters, no conflicts (2 of 4 stars). 4 submissions from 4 submitters: Benign (1); Likely benign (2). 1 of the submissions does not count toward it. Last evaluated 2026-07-01.

Conditions:
ARID1B-Related Disorder. Identifiers: MedGen CN381337.

Allele frequency attached by ClinVar (database versions not stated): gnomAD 0.00003; TOPMed 0.00004; ExAC 0.00012.
gnomAD v4.1: 62 of 1,613,782 alleles (0.0038%); highest among the groups gnomAD compares: Middle Eastern, 0.049%; no homozygotes.

Submissions (4):

CeGaT Center for Human Genetics Tuebingen
Classification: Likely benign. Last evaluated: 2026-07-01. Review status: criteria provided, single submitter. Criteria: CeGaT Center For Human Genetics Tuebingen Variant Classification Criteria Version 2. Collection method: clinical testing. Allele origin: germline. Affected: yes. Observed: 3 variant alleles.
Comment: ARID1B: BP4, BP7

Blueprint Genetics
Classification: Likely benign. Last evaluated: 2024-10-29. Review status: criteria provided, single submitter. Criteria: ACMG Guidelines, 2015. Collection method: clinical testing. Allele origin: germline.

Labcorp Genetics (formerly Invitae), Labcorp
Classification: Benign. Last evaluated: 2024-10-22. Review status: criteria provided, single submitter. Criteria: Invitae Variant Classification Sherloc (09022015). Collection method: clinical testing. Allele origin: germline.

PreventionGenetics, part of Exact Sciences
Classification: Likely benign for ARID1B-related condition. Last evaluated: 2022-11-28. Review status: no assertion criteria provided. Collection method: clinical testing. Allele origin: germline. Not counted in ClinVar's aggregate classification.
Comment: This variant is classified as likely benign based on ACMG/AMP sequence variant interpretation guidelines (Richards et al. 2015 PMID: 25741868, with internal and published modifications).

NM_001374828.1(ARID1B):c.5409C>T (p.Leu1803=)

Gene: ARID1B (AT-rich interaction domain 1B; plus strand). Cytogenetic location: 6q25.3.
Variant type: single nucleotide variant.
Coding change: c.5409C>T on transcript NM_001374828.1 (MANE Select); coding-DNA position 5409, C replaced by T.
Protein change: p.Leu1803=; no amino-acid change (leucine 1803 retained).
Molecular consequence: synonymous variant.
Genome position (GRCh38, 1-based): chr6:157,206,181, C>T. VCF-style: chr6-157206181-C-T. GRCh37 (hg19) VCF-style: chr6-157527315-C-T.
Other names: c.5160C>T, p.Leu1720= (NM_001346813.1); c.2910C>T, p.Leu970= (NM_001363725.2); c.5289C>T, p.Leu1763= (NM_001371656.1, NM_001374820.1); c.5250C>T, p.Leu1750= (NM_017519.3); c.5040C>T, p.Leu1680= (NM_020732.3); c.4827C>T, p.Leu1609= (NM_175863.2).
Identifiers: ClinVar variation 1879676 (VCV001879676.36), dbSNP rs766430210, ClinGen allele CA4067827.